The following is an entry in ClinVar:

ClinVar aggregate classification (germline): Uncertain significance. Review status: criteria provided, multiple submitters, no conflicts (2 of 4 stars). 3 submissions from 3 submitters: Uncertain significance (3). Last evaluated 2026-10-09.

Conditions:
Inborn genetic diseases. Identifiers: MedGen C0950123, MeSH D030342.
RYR1-related disorder. Also called: RYR1-related disorders; RYR1-related condition. Identifiers: MedGen CN239331.

Submissions (3):

GeneDx
Classification: Uncertain significance. Last evaluated: 2026-10-09. Review status: criteria provided, single submitter. Criteria: GeneDx Variant Classification Process June 2021. Collection method: clinical testing. Allele origin: germline.
Comment: Not observed at significant frequency in large population cohorts (gnomAD); In silico analysis suggests that this missense variant does not alter protein structure/function; Has not been previously published as pathogenic or benign to our knowledge

Ambry Genetics
Classification: Uncertain significance for Inborn genetic diseases. Last evaluated: 2021-09-15. Review status: criteria provided, single submitter. Criteria: Ambry Variant Classification Scheme 2023. Collection method: clinical testing. Allele origin: germline.

Labcorp Genetics (formerly Invitae), Labcorp
Classification: Uncertain significance for RYR1-related disorder. Last evaluated: 2021-09-01. Review status: criteria provided, single submitter. Criteria: Invitae Variant Classification Sherloc (09022015). Collection method: clinical testing. Allele origin: germline.

NM_000540.3(RYR1):c.5533G>C (p.Val1845Leu)

Gene: RYR1 (ryanodine receptor 1; plus strand). Cytogenetic location: 19q13.2.
Variant type: single nucleotide variant.
Coding change: c.5533G>C on transcript NM_000540.3 (MANE Select); coding-DNA position 5533, G replaced by C.
Protein change: p.Val1845Leu; replaces valine 1845 with leucine.
Molecular consequence: missense variant.
Genome position (GRCh38, 1-based): chr19:38,486,188, G>C. VCF-style: chr19-38486188-G-C. GRCh37 (hg19) VCF-style: chr19-38976828-G-C.
Other names: c.5533G>C, p.Val1845Leu (NM_001042723.2); c.5533G>C (NM_000540.2); short protein forms V1845L.
Identifiers: ClinVar variation 1003696 (VCV001003696.8), dbSNP rs926669024, ClinGen allele CA405656049.